The following is an entry in ClinVar:

ClinVar aggregate classification (germline): Uncertain significance (1 of 4 stars; one submission).

Conditions:
Cardiovascular phenotype. Identifiers: MedGen CN230736.

Submission:

Ambry Genetics
Classification: Uncertain significance for Cardiovascular phenotype. Last evaluated: 2024-03-19. Review status: criteria provided, single submitter. Criteria: Ambry Variant Classification Scheme 2023. Collection method: clinical testing. Allele origin: germline.
Comment: The p.A10V variant (also known as c.29C>T), located in coding exon 1 of the CHST14 gene, results from a C to T substitution at nucleotide position 29. The alanine at codon 10 is replaced by valine, an amino acid with similar properties. This amino acid position is conserved. In addition, this alteration is predicted to be tolerated by in silico analysis. Based on the available evidence, the clinical significance of this alteration remains unclear.

NM_130468.4(CHST14):c.29C>T (p.Ala10Val)

Genes: CHST14 (carbohydrate sulfotransferase 14; plus strand), LOC130056851 (ATAC-STARR-seq lymphoblastoid silent region 6336; plus strand). Cytogenetic location: 15q15.1.
Variant type: single nucleotide variant.
Coding change: c.29C>T on transcript NM_130468.4 (MANE Select); coding-DNA position 29, C replaced by T.
Protein change: p.Ala10Val; replaces alanine 10 with valine.
Molecular consequence: missense variant.
Genome position (GRCh38, 1-based): chr15:40,471,242, C>T. VCF-style: chr15-40471242-C-T. GRCh37 (hg19) VCF-style: chr15-40763441-C-T.
Other names: short protein forms A10V.
Identifiers: ClinVar variation 3267221 (VCV003267221.1).